The following is an entry in ClinVar:

NM_000059.4(BRCA2):c.5021G>C (p.Ser1674Thr)

Gene: BRCA2 (BRCA2 DNA repair associated; plus strand). Cytogenetic location: 13q13.1.
Variant type: single nucleotide variant.
Coding change: c.5021G>C on transcript NM_000059.4 (MANE Select); coding-DNA position 5021, G replaced by C.
Protein change: p.Ser1674Thr; replaces serine 1674 with threonine.
Molecular consequence: missense variant.
Genome position (GRCh38, 1-based): chr13:32,339,376, G>C. VCF-style: chr13-32339376-G-C. GRCh37 (hg19) VCF-style: chr13-32913513-G-C.
Other names: short protein forms S1674T.
Identifiers: ClinVar variation 233728 (VCV000233728.14), dbSNP rs876660602, ClinGen allele CA10579642.

ClinVar aggregate classification (germline): Conflicting classifications of pathogenicity. Review status: criteria provided, conflicting classifications (1 of 4 stars). 4 submissions from 4 submitters: Uncertain significance (2); Likely benign (2). Last evaluated 2025-11-09.

Conditions:
Hereditary cancer-predisposing syndrome. Also called: Neoplastic Syndromes, Hereditary; Tumor predisposition; Hereditary Cancer Syndrome; Hereditary neoplastic syndrome. Identifiers: Orphanet 140162, MedGen C0027672, MeSH D009386, MONDO:0015356.
Hereditary breast ovarian cancer syndrome. Also called: Hereditary breast and ovarian cancer syndrome; BRCA1- and BRCA2-Associated Hereditary Breast and Ovarian Cancer; Breast and ovarian cancer; Hereditary breast and/or ovarian cancer syndrome; Hereditary breast and ovarian cancer; Hereditary breast and ovarian cancer syndrome (HBOC). Identifiers: Orphanet 145, MedGen C0677776, MeSH D061325, MONDO:0003582. Disease mechanism: loss of function.

Submissions (4):

Labcorp Genetics (formerly Invitae), Labcorp
Classification: Uncertain significance for Hereditary breast ovarian cancer syndrome. Last evaluated: 2025-11-09. Review status: criteria provided, single submitter. Criteria: Invitae Variant Classification Sherloc (09022015). Collection method: clinical testing. Allele origin: germline.
Comment: This sequence change replaces serine, which is neutral and polar, with threonine, which is neutral and polar, at codon 1674 of the BRCA2 protein (p.Ser1674Thr). This variant is not present in population databases (gnomAD no frequency). This variant has not been reported in the literature in individuals affected with BRCA2-related conditions. ClinVar contains an entry for this variant (Variation ID: 233728). Invitae Evidence Modeling of protein sequence and biophysical properties (such as structural, functional, and spatial information, amino acid conservation, physicochemical variation, residue mobility, and thermodynamic stability) indicates that this missense variant is not expected to disrupt BRCA2 protein function with a negative predictive value of 95%. In summary, the available evidence is currently insufficient to determine the role of this variant in disease. Therefore, it has been classified as a Variant of Uncertain Significance.

Center for Genomic Medicine, Rigshospitalet, Copenhagen University Hospital
Classification: Likely benign. Last evaluated: 2025-03-04. Review status: criteria provided, single submitter. Criteria: ACMG Guidelines, 2015. Collection method: clinical testing. Allele origin: germline.

University of Washington Department of Laboratory Medicine, University of Washington
Classification: Likely benign for Hereditary cancer-predisposing syndrome. Last evaluated: 2023-03-23. Review status: criteria provided, single submitter. Criteria: Dines et al. (Genet Med. 2020). Collection method: curation. Allele origin: germline.
Comment: Missense variant in a coldspot region where missense variants are very unlikely to be pathogenic (PMID:31911673).

BRCA2 exon 11 coldspot. Reclassification based on statistical prior probability.

Ambry Genetics
Classification: Uncertain significance for Hereditary cancer-predisposing syndrome. Last evaluated: 2015-09-04. Review status: criteria provided, single submitter. Criteria: Ambry Variant Classification Scheme 2023. Collection method: clinical testing. Allele origin: germline.
Comment: The p.S1674T variant (also known as c.5021G>C), located in coding exon 10 of the BRCA2 gene, results from a G to C substitution at nucleotide position 5021. The serine at codon 1674 is replaced by threonine, an amino acid with similar properties. This variant was not reported in population based cohorts in the following databases: Database of Single Nucleotide Polymorphisms (dbSNP), NHLBI Exome Sequencing Project (ESP), and 1000 Genomes Project. In the ESP, this variant was not observed in 6477 samples (12954 alleles) with coverage at this position. To date, this alteration has been detected with an allele frequency of approximately 0.001% (greater than 150000 alleles tested) in our clinical cohort. This amino acid position is poorly conserved in available vertebrate species. In addition, this alteration is predicted to be tolerated by in silico analysis. Since supporting evidence for this variant is limited at this time, the clinical significance of p.S1674T remains unclear